The following is an entry in ClinVar:

NM_000085.5(CLCNKB):c.919T>A (p.Phe307Ile)

Genes: CLCNKB (chloride voltage-gated channel Kb; plus strand), LOC106501713 (CLCNKB recombination region; plus strand). Cytogenetic location: 1p36.13.
Variant type: single nucleotide variant.
Coding change: c.919T>A on transcript NM_000085.5 (MANE Select); coding-DNA position 919, T replaced by A.
Protein change: p.Phe307Ile; replaces phenylalanine 307 with isoleucine.
Molecular consequence: missense variant.
Genome position (GRCh38, 1-based): chr1:16,049,867, T>A. VCF-style: chr1-16049867-T-A. GRCh37 (hg19) VCF-style: chr1-16376362-T-A.
Other names: c.412T>A, p.Phe138Ile (NM_001165945.2); short protein forms F138I, F307I.
Identifiers: ClinVar variation 2119715 (VCV002119715.4), dbSNP rs2524383682, ClinGen allele CA338638403.

ClinVar aggregate classification (germline): Uncertain significance (1 of 4 stars; one submission).

Submission:

Labcorp Genetics (formerly Invitae), Labcorp
Classification: Uncertain significance. Last evaluated: 2025-01-27. Review status: criteria provided, single submitter. Criteria: Invitae Variant Classification Sherloc (09022015). Collection method: clinical testing. Allele origin: germline.
Comment: This sequence change replaces phenylalanine, which is neutral and non-polar, with isoleucine, which is neutral and non-polar, at codon 307 of the CLCNKB protein (p.Phe307Ile). This variant is not present in population databases (gnomAD no frequency). This variant has not been reported in the literature in individuals affected with CLCNKB-related conditions. ClinVar contains an entry for this variant (Variation ID: 2119715). Invitae Evidence Modeling of protein sequence and biophysical properties (such as structural, functional, and spatial information, amino acid conservation, physicochemical variation, residue mobility, and thermodynamic stability) indicates that this missense variant is not expected to disrupt CLCNKB protein function with a negative predictive value of 80%. In summary, the available evidence is currently insufficient to determine the role of this variant in disease. Therefore, it has been classified as a Variant of Uncertain Significance.